The following is an entry in ClinVar:

ClinVar aggregate classification (germline): Uncertain significance (1 of 4 stars; one submission).

Conditions:
RYR1-related disorder. Also called: RYR1-related condition; RYR1-related disorders. Identifiers: MedGen CN239331.

Submission:

PreventionGenetics, part of Exact Sciences
Classification: Uncertain significance for RYR1-related condition. Last evaluated: 2022-10-07. Review status: criteria provided, single submitter. Criteria: ACMG Guidelines, 2015. Collection method: clinical testing. Allele origin: germline.
Comment: The RYR1 c.11159A>G variant is predicted to result in the amino acid substitution p.Tyr3720Cys. To our knowledge, this variant has not been reported in the literature or in a large population database, indicating this variant is rare. At this time, the clinical significance of this variant is uncertain due to the absence of conclusive functional and genetic evidence.

NM_000540.3(RYR1):c.11159A>G (p.Tyr3720Cys)

Gene: RYR1 (ryanodine receptor 1; plus strand). Cytogenetic location: 19q13.2.
Variant type: single nucleotide variant.
Coding change: c.11159A>G on transcript NM_000540.3 (MANE Select); coding-DNA position 11159, A replaced by G.
Protein change: p.Tyr3720Cys; replaces tyrosine 3720 with cysteine.
Molecular consequence: missense variant.
Genome position (GRCh38, 1-based): chr19:38,532,507, A>G. VCF-style: chr19-38532507-A-G. GRCh37 (hg19) VCF-style: chr19-39023147-A-G.
Other names: c.11144A>G, p.Tyr3715Cys (NM_001042723.2); short protein forms Y3715C, Y3720C.
Identifiers: ClinVar variation 2637198 (VCV002637198.1), dbSNP rs2514515776, ClinGen allele CA405652326.
Genomic context (GRCh38, chr19:38,532,507, plus strand): 5'-CCTCTCCACCGGGTCCTGACCACTCCCCTGCTTACTTCCCCAGCAAACTGGATGAGGATT[A>G]CCTGTACATGGCCTATGCTGATATCATGGCAAAGGTGAGGCCCTACCCCCCTCTTCTGGG-3'
Protein context (NP_000531.2, residues 3710-3730): LTEKSKLDED[Tyr3720Cys]LYMAYADIMA